The following is an entry in ClinVar:

ClinVar aggregate classification (germline): Likely benign. Review status: criteria provided, multiple submitters, no conflicts (2 of 4 stars). 2 submissions from 2 submitters: Likely benign (2). Last evaluated 2025-01-29.

Conditions:
Ataxia-telangiectasia syndrome (AT). Also called: LOUIS-BAR SYNDROME; Cerebello-oculocutaneous telangiectasia; Immunodeficiency with ataxia telangiectasia; AT, COMPLEMENTATION GROUP C; Ataxia-telangiectasia, complementation group D; ATAXIA-TELANGIECTASIA, COMPLEMENTATION GROUP A. Identifiers: Orphanet 100, MedGen C0004135, MONDO:0008840, OMIM 208900.
Familial cancer of breast. Also called: BREAST CANCER, FAMILIAL; hereditary breast carcinoma; Hereditary breast cancer. Identifiers: Orphanet 227535, MedGen C0346153, MONDO:0016419, OMIM 114480. Disease mechanism: loss of function.

Allele frequency attached by ClinVar (database versions not stated): gnomAD exomes below 0.00001.
gnomAD v4.1: 2 of 1,548,924 alleles (0.00013%); highest among the groups gnomAD compares: African/African-American, 0.0028%; no homozygotes.

Submissions (2):

Labcorp Genetics (formerly Invitae), Labcorp
Classification: Likely benign for Ataxia-telangiectasia syndrome. Last evaluated: 2025-01-29. Review status: criteria provided, single submitter. Criteria: Invitae Variant Classification Sherloc (09022015). Collection method: clinical testing. Allele origin: germline.

Myriad Genetics, Inc.
Classification: Likely benign for Familial cancer of breast. Last evaluated: 2024-04-24. Review status: criteria provided, single submitter. Criteria: Myriad Autosomal Dominant, Autosomal Recessive and X-Linked Classification Criteria (2023). Collection method: clinical testing. Allele origin: unknown.
Comment: This variant is considered likely benign. This variant is intronic and is not expected to impact mRNA splicing.

NM_000051.4(ATM):c.1066-19A>G

Gene: ATM (ATM serine/threonine kinase; plus strand). Cytogenetic location: 11q22.3.
Variant type: single nucleotide variant.
Coding change: c.1066-19A>G on transcript NM_000051.4 (MANE Select); 19 bases into the intron before coding-DNA position 1066, A replaced by G.
Molecular consequence: intron variant.
Genome position (GRCh38, 1-based): chr11:108,248,914, A>G. VCF-style: chr11-108248914-A-G. GRCh37 (hg19) VCF-style: chr11-108119641-A-G.
Other names: c.1066-19A>G (NM_001351834.2).
Identifiers: ClinVar variation 3253798 (VCV003253798.3), dbSNP rs749274576.